The following is an entry in ClinVar:

NM_016284.5(CNOT1):c.568T>G (p.Phe190Val)

Gene: CNOT1 (CCR4-NOT transcription complex subunit 1; minus strand). Cytogenetic location: 16q21.
Variant type: single nucleotide variant.
Coding change: c.568T>G on transcript NM_016284.5 (MANE Select); coding-DNA position 568, T replaced by G.
Protein change: p.Phe190Val; replaces phenylalanine 190 with valine.
Molecular consequence: missense variant. On other transcripts: non-coding transcript variant (1).
Genome position (GRCh38, 1-based): chr16:58,586,614, A>C on the plus strand (T>G on the coding strand, the complement: CNOT1 is on the minus strand). VCF-style: chr16-58586614-A-C. GRCh37 (hg19) VCF-style: chr16-58620518-A-C.
Other names: c.568T>G, p.Phe190Val (NM_001265612.2, NM_206999.3); short protein forms F190V.
Identifiers: ClinVar variation 3349262 (VCV003349262.1).
Genomic context (GRCh38, chr16:58,586,614, plus strand): 5'-GCGTCTTAAGAAAAGCGTCTATCTGTTCTTGTCCAACTCCAAAGGCTCCCTTCTGCCCAA[A>C]GAGGAGATGGGAGAGGAGGAGGTGTAGGACCTCTATTGCTATATCTTGGAAGCCACCTTC-3'
Protein context (NP_057368.3, residues 180-200): VLHLLLSHLL[Phe190Val]GQKGAFGVGQ

ClinVar aggregate classification (germline): Uncertain significance (0 of 4 stars; one submission).

Conditions:
CNOT1-related disorder. Also called: CNOT1-related condition.

gnomAD v4.1: 1 of 1,612,568 alleles (0.000062%); highest among the groups gnomAD compares: Non-Finnish European, 0.000085%; no homozygotes.

Submission:

PreventionGenetics, part of Exact Sciences
Classification: Uncertain significance for CNOT1-related condition. Last evaluated: 2024-03-11. Review status: no assertion criteria provided. Collection method: clinical testing. Allele origin: germline.
Comment: The CNOT1 c.568T>G variant is predicted to result in the amino acid substitution p.Phe190Val. To our knowledge, this variant has not been reported in the literature. This variant is reported in 0.00088% of alleles in individuals of European (Non-Finnish) descent in gnomAD. At this time, the clinical significance of this variant is uncertain due to the absence of conclusive functional and genetic evidence.